The following is an entry in ClinVar:

ClinVar aggregate classification (germline): Pathogenic. Review status: criteria provided, single submitter (1 of 4 stars). 2 submissions from 2 submitters: Pathogenic (1). 1 of the submissions does not count toward it. Last evaluated 2025-04-21.

Conditions:
Cystic fibrosis (CF). Also called: MUCOVISCIDOSIS. Identifiers: Orphanet 586, MedGen C0010674, MONDO:0009061, OMIM 219700. Disease mechanism: loss of function.

Submissions (2):

Women's Health and Genetics/Laboratory Corporation of America, LabCorp
Classification: Pathogenic for Cystic fibrosis. Last evaluated: 2025-04-21. Review status: criteria provided, single submitter. Criteria: LabCorp Variant Classification Summary - May 2015. Collection method: clinical testing. Allele origin: germline.
Comment: Variant summary: CFTR c.2776_2777delTT (p.Leu926AlafsX48) results in a premature termination codon, predicted to cause a truncation of the encoded protein or absence of the protein due to nonsense mediated decay, which are commonly known mechanisms for disease. The variant was absent in 251420 control chromosomes. c.2776_2777delTT has been observed in at-least one individual affected with Cystic Fibrosis, who carried the CFTR F508del variant in trans (example: Ravnik-Glavac_1993). The following publication has been ascertained in the context of this evaluation (PMID: 7691352). ClinVar contains an entry for this variant (Variation ID: 53566). Based on the evidence outlined above, the variant was classified as pathogenic.

ClinVar Staff, National Center for Biotechnology Information (NCBI)
No classification provided. Condition: CFTR-related disorders. Review status: no classification provided. Collection method: literature only. Allele origin: germline. Affected: yes. Not counted in ClinVar's aggregate classification.

Literature cited by the submitters: PubMed 7691352 (cited by Women's Health and Genetics/Laboratory Corporation of America, LabCorp); PubMed 15727251 (cited by ClinVar Staff, National Center for Biotechnology Information (NCBI)).

NM_000492.4(CFTR):c.2776_2777del (p.Leu926fs)

Gene: CFTR (CF transmembrane conductance regulator; plus strand). Cytogenetic location: 7q31.2.
Variant type: Deletion.
Coding change: c.2776_2777del on transcript NM_000492.4 (MANE Select); coding-DNA positions 2776 to 2777, 2 bases deleted (TT; older notation c.2776_2777delTT).
Protein change: p.Leu926fs; shifts the reading frame from leucine 926.
Molecular consequence: frameshift variant.
Genome position (GRCh38, 1-based): chr7:117,603,650-117,603,651, TT deleted; deleting any 2 consecutive bases within chr7:117,603,649-117,603,651 gives the same sequence; the c. name uses the placement nearest the transcript's 3' end. VCF-style (leftmost placement, unchanged base first): chr7-117603648-CTT-C. GRCh37 (hg19) VCF-style: chr7-117243702-CTT-C.
Other names: c.2775_2776delTT (NM_000492.3); c.2776_2777delTT (NM_000492.4); short protein forms L926fs.
Identifiers: ClinVar variation 53566 (VCV000053566.3), dbSNP rs397508433, ClinGen allele CA326925.
Genomic context (GRCh38, chr7:117,603,648, plus strand): 5'-TGATTATCACCAGCACCAGTTCGTATTATGTGTTTTACATTTACGTGGGAGTAGCCGACA[CTT>C]TGCTTGCTATGGGATTCTTCAGAGGTCTACCACTGGTGCATACTCTAATCACAGTGTCGA-3'